The following is an entry in ClinVar:

NC_000002.12:g.(?_71567941)_(71570344_?)del

Gene: DYSF (dysferlin; plus strand). Cytogenetic location: 2p13.2.
Variant type: Deletion.
Identifiers: ClinVar variation 655241 (VCV000655241.3).

ClinVar aggregate classification (germline): Pathogenic (1 of 4 stars; one submission).

Conditions:
Neuromuscular disease caused by qualitative or quantitative defects of dysferlin. Also called: Qualitative or quantitative defects of dysferlin; Dysferlinopathy. Identifiers: Orphanet 207073, MedGen C2931687, MONDO:0016145.

Submission:

Labcorp Genetics (formerly Invitae), Labcorp
Classification: Pathogenic for Neuromuscular disease caused by qualitative or quantitative defects of dysferlin. Last evaluated: 2018-09-04. Review status: criteria provided, single submitter. Criteria: Invitae Variant Classification Sherloc (09022015). Collection method: clinical testing. Allele origin: germline.
Comment: For these reasons, this variant has been classified as Pathogenic. Loss-of-function variants in DYSF are known to be pathogenic (PMID: 17698709, 20301480). This variant has not been reported in the literature in individuals with DYSF-related disease. A gross deletion of the genomic region encompassing the full coding sequence of the DYSF gene has been identified. The boundaries of this event are unknown as the deletion extends beyond the assayed region for this gene and therefore may encompass additional genes.

Literature cited by the submitters: PubMed 17698709; PubMed 20301480.